The following is an entry in ClinVar:

NM_018979.4(WNK1):c.5900T>C (p.Ile1967Thr)

Gene: WNK1 (WNK lysine deficient protein kinase 1; plus strand). Cytogenetic location: 12p13.33.
Variant type: single nucleotide variant.
Coding change: c.5900T>C on transcript NM_018979.4 (MANE Select); coding-DNA position 5900, T replaced by C.
Protein change: p.Ile1967Thr; replaces isoleucine 1967 with threonine.
Molecular consequence: missense variant.
Genome position (GRCh38, 1-based): chr12:896,387, T>C. VCF-style: chr12-896387-T-C. GRCh37 (hg19) VCF-style: chr12-1005553-T-C.
Other names: c.6680T>C, p.Ile2227Thr (NM_001184985.2); c.5156T>C, p.Ile1719Thr (NM_014823.3); c.6656T>C, p.Ile2219Thr (NM_213655.5); short protein forms I1719T, I1967T, I2227T, I2219T.
Identifiers: ClinVar variation 2143720 (VCV002143720.4), dbSNP rs1954734070, ClinGen allele CA383335675.

ClinVar aggregate classification (germline): Uncertain significance (1 of 4 stars; one submission).

Conditions:
Neuropathy, hereditary sensory and autonomic, type 2A (HSAN2A). Also called: ACROOSTEOLYSIS, GIACCAI TYPE; ACROOSTEOLYSIS, NEUROGENIC; MORVAN DISEASE; NEUROPATHY, CONGENITAL SENSORY; NEUROPATHY, HEREDITARY SENSORY RADICULAR, AUTOSOMAL RECESSIVE; NEUROPATHY, HEREDITARY SENSORY, TYPE IIA. Identifiers: Orphanet 970, MedGen C2752089, MONDO:0024309, OMIM 201300.
Pseudohypoaldosteronism type 2C (PHA2C). Also called: Pseudohypoaldosteronism Type IIC. Identifiers: Orphanet 757, Orphanet 88940, MedGen C1840391, MONDO:0013778, OMIM 614492.

Allele frequency attached by ClinVar (database versions not stated): gnomAD 0.00001.
gnomAD v4.1: 1 of 1,613,992 alleles (0.000062%); highest among the groups gnomAD compares: Admixed American, 0.0017%; no homozygotes.

Submission:

Labcorp Genetics (formerly Invitae), Labcorp
Classification: Uncertain significance for Neuropathy, hereditary sensory and autonomic, type 2A; Pseudohypoaldosteronism type 2C. Last evaluated: 2022-05-26. Review status: criteria provided, single submitter. Criteria: Invitae Variant Classification Sherloc (09022015). Collection method: clinical testing. Allele origin: germline.
Comment: This variant is not present in population databases (gnomAD no frequency). In summary, the available evidence is currently insufficient to determine the role of this variant in disease. Therefore, it has been classified as a Variant of Uncertain Significance. Advanced modeling of protein sequence and biophysical properties (such as structural, functional, and spatial information, amino acid conservation, physicochemical variation, residue mobility, and thermodynamic stability) performed at Invitae indicates that this missense variant is not expected to disrupt WNK1 protein function. This variant has not been reported in the literature in individuals affected with WNK1-related conditions. This sequence change replaces isoleucine, which is neutral and non-polar, with threonine, which is neutral and polar, at codon 2219 of the WNK1 protein (p.Ile2219Thr).